The following is an entry in ClinVar:

NM_000051.4(ATM):c.8155del (p.Arg2719fs)

Genes: ATM (ATM serine/threonine kinase; plus strand), C11orf65 (chromosome 11 open reading frame 65; minus strand). Cytogenetic location: 11q22.3.
Variant type: Deletion.
Coding change: c.8155del on transcript NM_000051.4 (MANE Select); coding-DNA position 8155, one base deleted (C; older notation c.8155delC).
Protein change: p.Arg2719fs; shifts the reading frame from arginine 2719.
Molecular consequence: frameshift variant. On other transcripts: intron variant (2).
Genome position (GRCh38, 1-based): chr11:108,335,848, C deleted; the last of 2 consecutive C bases (chr11:108,335,847-108,335,848); deleting either gives the same sequence. VCF-style (leftmost placement, unchanged base first): chr11-108335846-GC-G. GRCh37 (hg19) VCF-style: chr11-108206573-GC-G.
Other names: c.8155del, p.Arg2719fs (NM_001351834.2); c.641-26776del (NM_001330368.2); c.695-555del (NM_001351110.2); short protein forms R2719fs.
Identifiers: ClinVar variation 1762201 (VCV001762201.4), dbSNP rs2547344968, ClinGen allele CA2580083095.

ClinVar aggregate classification (germline): Pathogenic. Review status: criteria provided, multiple submitters, no conflicts (2 of 4 stars). 3 submissions from 3 submitters: Pathogenic (3). Last evaluated 2024-04-15.

Conditions:
Hereditary cancer-predisposing syndrome. Also called: Hereditary neoplastic syndrome; Neoplastic Syndromes, Hereditary; Tumor predisposition; Hereditary Cancer Syndrome. Identifiers: Orphanet 140162, MedGen C0027672, MeSH D009386, MONDO:0015356.
Familial cancer of breast. Also called: Hereditary breast cancer; hereditary breast carcinoma; BREAST CANCER, FAMILIAL. Identifiers: Orphanet 227535, MedGen C0346153, MONDO:0016419, OMIM 114480. Disease mechanism: loss of function.
Ataxia-telangiectasia syndrome (AT). Also called: Ataxia telangiectasia (A-T); LOUIS-BAR SYNDROME; Cerebello-oculocutaneous telangiectasia; Immunodeficiency with ataxia telangiectasia; Ataxia-telangiectasia, complementation group D; AT, COMPLEMENTATION GROUP C. Identifiers: Orphanet 100, MedGen C0004135, MONDO:0008840, OMIM 208900.

Submissions (3):

Labcorp Genetics (formerly Invitae), Labcorp
Classification: Pathogenic for Ataxia-telangiectasia syndrome. Last evaluated: 2024-04-15. Review status: criteria provided, single submitter. Criteria: Invitae Variant Classification Sherloc (09022015). Collection method: clinical testing. Allele origin: germline.
Comment: This sequence change creates a premature translational stop signal (p.Arg2719Valfs*4) in the ATM gene. It is expected to result in an absent or disrupted protein product. Loss-of-function variants in ATM are known to be pathogenic (PMID: 23807571, 25614872). This variant is not present in population databases (gnomAD no frequency). This variant has not been reported in the literature in individuals affected with ATM-related conditions. ClinVar contains an entry for this variant (Variation ID: 1762201). For these reasons, this variant has been classified as Pathogenic.

Myriad Genetics, Inc.
Classification: Pathogenic for Familial cancer of breast. Last evaluated: 2024-02-01. Review status: criteria provided, single submitter. Criteria: Myriad Autosomal Dominant, Autosomal Recessive and X-Linked Classification Criteria (2023). Collection method: clinical testing. Allele origin: unknown.
Comment: This variant is considered pathogenic. This variant creates a frameshift predicted to result in premature protein truncation.

Ambry Genetics
Classification: Pathogenic for Hereditary cancer-predisposing syndrome. Last evaluated: 2021-12-09. Review status: criteria provided, single submitter. Criteria: Ambry Variant Classification Scheme 2023. Collection method: clinical testing. Allele origin: germline.
Comment: The c.8155delC variant, located in coding exon 55 of the ATM gene, results from a deletion of one nucleotide at nucleotide position 8155, causing a translational frameshift with a predicted alternate stop codon (p.R2719Vfs*4). This alteration is expected to result in loss of function by premature protein truncation or nonsense-mediated mRNA decay. As such, this alteration is interpreted as a disease-causing mutation.

Literature cited by the submitters: PubMed 23807571 (cited by Labcorp Genetics (formerly Invitae), Labcorp); PubMed 25614872 (cited by Labcorp Genetics (formerly Invitae), Labcorp).